The following is an entry in ClinVar:

ClinVar aggregate classification (germline): Uncertain significance. Review status: criteria provided, multiple submitters, no conflicts (2 of 4 stars). 8 submissions from 8 submitters: Uncertain significance (7). 1 of the submissions does not count toward it. Last evaluated 2026-01-26.

Conditions:
Deficiency of alpha-mannosidase (MANSA). Also called: LYSOSOMAL ALPHA-D-MANNOSIDASE DEFICIENCY; Alpha-Mannosidosis; Mannosidosis, alpha-, types I and II. Identifiers: Orphanet 61, MedGen C0024748, MONDO:0009561, OMIM 248500.
MAN2B1-related disorder. Also called: MAN2B1-related condition.
Inborn genetic diseases. Identifiers: MedGen C0950123, MeSH D030342.

Allele frequency attached by ClinVar (database versions not stated): 1000 Genomes Project 30x 0.00016; gnomAD 0.00030; ESP Exome Variant Server 0.00031; TOPMed 0.00031; gnomAD exomes 0.00038.
gnomAD v4.1: 616 of 1,612,658 alleles (0.038%); highest among the groups gnomAD compares: Non-Finnish European, 0.04%; 2 homozygotes.

Submissions (8):

Labcorp Genetics (formerly Invitae), Labcorp
Classification: Uncertain significance for Deficiency of alpha-mannosidase. Last evaluated: 2026-01-26. Review status: criteria provided, single submitter. Criteria: Invitae Variant Classification Sherloc (09022015). Collection method: clinical testing. Allele origin: germline.
Comment: This sequence change replaces glycine, which is neutral and non-polar, with cysteine, which is neutral and slightly polar, at codon 801 of the MAN2B1 protein (p.Gly801Cys). This variant is present in population databases (rs142702682, gnomAD 0.1%), and has an allele count higher than expected for a pathogenic variant. This variant has not been reported in the literature in individuals affected with MAN2B1-related conditions. ClinVar contains an entry for this variant (Variation ID: 547954). Invitae Evidence Modeling of protein sequence and biophysical properties (such as structural, functional, and spatial information, amino acid conservation, physicochemical variation, residue mobility, and thermodynamic stability) has been performed for this missense variant. However, the output from this modeling did not meet the statistical confidence thresholds required to predict the impact of this variant on MAN2B1 protein function. In summary, the available evidence is currently insufficient to determine the role of this variant in disease. Therefore, it has been classified as a Variant of Uncertain Significance.

PreventionGenetics, part of Exact Sciences
Classification: Uncertain significance for MAN2B1-related condition. Last evaluated: 2023-05-05. Review status: criteria provided, single submitter. Criteria: ACMG Guidelines, 2015. Collection method: clinical testing. Allele origin: germline.
Comment: The MAN2B1 c.2401G>T variant is predicted to result in the amino acid substitution p.Gly801Cys. To our knowledge, this variant has not been reported in the literature. This variant is reported in 0.10% of alleles in individuals of European (Finnish) descent in gnomAD, including one homozygous individual, which may be too common to be causative. Although we suspect that this variant may be benign, at this time, the clinical significance of this variant is uncertain due to the absence of conclusive functional and genetic evidence.

Fulgent Genetics
Classification: Uncertain significance for Deficiency of alpha-mannosidase. Last evaluated: 2022-04-27. Review status: criteria provided, single submitter. Criteria: ACMG Guidelines, 2015. Collection method: clinical testing. Allele origin: unknown.

Genome-Nilou Lab
Classification: Uncertain significance for Deficiency of alpha-mannosidase. Last evaluated: 2021-09-05. Review status: criteria provided, single submitter. Criteria: ACMG Guidelines, 2015. Collection method: clinical testing. Allele origin: germline. Affected: no.

Ambry Genetics
Classification: Uncertain significance for Inborn genetic diseases. Last evaluated: 2021-06-04. Review status: criteria provided, single submitter. Criteria: Ambry Variant Classification Scheme 2023. Collection method: clinical testing. Allele origin: germline.

Illumina Laboratory Services, Illumina
Classification: Uncertain significance for Deficiency of alpha-mannosidase. Last evaluated: 2018-01-12. Review status: criteria provided, single submitter. Criteria: ICSL Variant Classification Criteria 13 December 2019. Collection method: clinical testing. Allele origin: germline.

Mayo Clinic Laboratories, Mayo Clinic
Classification: Uncertain significance for Deficiency of alpha-mannosidase. Last evaluated: 2017-05-01. Review status: criteria provided, single submitter. Criteria: ACMG Guidelines, 2015. Collection method: clinical testing. Allele origin: paternal.

Natera, Inc.
Classification: Uncertain significance for Alpha-mannosidosis. Last evaluated: 2019-11-11. Review status: no assertion criteria provided. Collection method: clinical testing. Allele origin: germline. Not counted in ClinVar's aggregate classification.

NM_000528.4(MAN2B1):c.2401G>T (p.Gly801Cys)

Gene: MAN2B1 (mannosidase alpha class 2B member 1; minus strand). Cytogenetic location: 19p13.13.
Variant type: single nucleotide variant.
Coding change: c.2401G>T on transcript NM_000528.4 (MANE Select); coding-DNA position 2401, G replaced by T.
Protein change: p.Gly801Cys; replaces glycine 801 with cysteine.
Molecular consequence: missense variant.
Genome position (GRCh38, 1-based): chr19:12,649,171, C>A on the plus strand (G>T on the coding strand, the complement: MAN2B1 is on the minus strand). VCF-style: chr19-12649171-C-A. GRCh37 (hg19) VCF-style: chr19-12759985-C-A.
Other names: c.2398G>T, p.Gly800Cys (NM_001173498.2); short protein forms G801C, G800C.
Identifiers: ClinVar variation 547954 (VCV000547954.22), dbSNP rs142702682, ClinGen allele CA9226043.